The following is an entry in ClinVar:

NM_001267550.2(TTN):c.73847G>A (p.Arg24616Gln)

Genes: TTN (titin; minus strand), TTN-AS1 (TTN antisense RNA 1; plus strand). Cytogenetic location: 2q31.2.
Variant type: single nucleotide variant.
Coding change: c.73847G>A on transcript NM_001267550.2 (MANE Select); coding-DNA position 73847, G replaced by A.
Protein change: p.Arg24616Gln; replaces arginine 24616 with glutamine.
Molecular consequence: missense variant.
Genome position (GRCh38, 1-based): chr2:178,572,285, C>T on the plus strand (G>A on the coding strand, the complement: TTN is on the minus strand). VCF-style: chr2-178572285-C-T. GRCh37 (hg19) VCF-style: chr2-179437012-C-T.
Other names: c.68924G>A, p.Arg22975Gln (NM_001256850.1); c.46652G>A, p.Arg15551Gln (NM_003319.4); c.66143G>A, p.Arg22048Gln (NM_133378.4); c.47027G>A, p.Arg15676Gln (NM_133432.3); c.47228G>A, p.Arg15743Gln (NM_133437.4); short protein forms R24616Q, R22048Q, R15551Q, R15743Q, R22975Q, R15676Q.
Identifiers: ClinVar variation 404743 (VCV000404743.20), dbSNP rs201694149, ClinGen allele CA1990299.

ClinVar aggregate classification (germline): Conflicting classifications of pathogenicity. Review status: criteria provided, conflicting classifications (1 of 4 stars). 8 submissions from 7 submitters: Uncertain significance (6); Likely benign (2). Last evaluated 2026-09-09.

Conditions:
TTN-related disorder. Also called: TTN-related disorders; TTN-related condition; TTN-related disease.
Inborn genetic diseases. Identifiers: MedGen C0950123, MeSH D030342.
Cardiovascular phenotype. Identifiers: MedGen CN230736.
Autosomal recessive limb-girdle muscular dystrophy type 2J (LGMDR10). Also called: Limb-girdle muscular dystrophy, type 2J; MUSCULAR DYSTROPHY, LIMB-GIRDLE, AUTOSOMAL RECESSIVE 10. Identifiers: Orphanet 140922, MedGen C1837342, MONDO:0012127, OMIM 608807.
Dilated cardiomyopathy 1G (CMD1G). Identifiers: Orphanet 154, MedGen C1858763, MONDO:0011400, OMIM 604145.

Allele frequency attached by ClinVar (database versions not stated): gnomAD exomes 0.00003 and 0.00009; gnomAD 0.00005 and 0.00006; ExAC 0.00007; 1000 Genomes Project 30x 0.00016; TOPMed 0.00018; 1000 Genomes Project 0.00020.
gnomAD v4.1: 53 of 1,612,452 alleles (0.0033%); highest among the groups gnomAD compares: Admixed American, 0.037%; no homozygotes.

Submissions (8):

PreventionGenetics, part of Exact Sciences
Classification: Uncertain significance for TTN-related condition. Last evaluated: 2026-09-09. Review status: criteria provided, single submitter. Criteria: ACMG Guidelines, 2015. Collection method: clinical testing. Allele origin: germline.
Comment: The TTN c.73847G>A variant is predicted to result in the amino acid substitution p.Arg24616Gln. This variant has been reported in one individual with atrial flutter (Guevara-Ramírez et al. 2025. PubMed ID: 41465321). This variant is reported in 0.040% of alleles in individuals of Latino descent in gnomAD. At this time, the clinical significance of this variant is uncertain due to the absence of conclusive functional and genetic evidence.

Molecular Diagnostic Laboratory for Inherited Cardiovascular Disease, Montreal Heart Institute
Classification: Likely benign. Last evaluated: 2025-04-09. Review status: criteria provided, single submitter. Criteria: ACMG Guidelines, 2015. Collection method: clinical testing. Allele origin: germline. Affected: no.

Revvity Omics, Revvity
Classification: Uncertain significance. Last evaluated: 2022-11-02. Review status: criteria provided, single submitter. Criteria: ACMG Guidelines, 2015. Collection method: clinical testing. Allele origin: germline.

GeneDx
Classification: Likely benign. Last evaluated: 2020-03-20. Review status: criteria provided, single submitter. Criteria: GeneDx Variant Classification Process June 2021. Collection method: clinical testing. Allele origin: germline. Affected: yes.

Ambry Genetics
Classification: Uncertain significance for Hereditary disease. Last evaluated: 2017-11-08. Review status: criteria provided, single submitter. Criteria: ambry_reporting_categories_2017. Collection method: clinical testing. Allele origin: germline. Affected: yes. Observed: 1 heterozygote. Segregation with disease observed.
Comment: Lines of evidence used in support of classification: UNCERTAIN: Alteration(s) of Uncertain Clinical Significance Detected

Labcorp Genetics (formerly Invitae), Labcorp
Classification: Uncertain significance for Dilated cardiomyopathy 1G; Autosomal recessive limb-girdle muscular dystrophy type 2J. Last evaluated: 2017-08-03. Review status: criteria provided, single submitter. Criteria: Invitae Variant Classification Sherloc (09022015). Collection method: clinical testing. Allele origin: germline.

Eurofins Ntd Llc (ga)
Classification: Uncertain significance. Last evaluated: 2016-11-17. Review status: criteria provided, single submitter. Criteria: EGL Classification Definitions 2015. Collection method: clinical testing. Allele origin: germline. Observed: 1 variant allele, 1 heterozygote.

Ambry Genetics
Classification: Uncertain significance for Cardiovascular phenotype. Last evaluated: 2016-07-31. Review status: criteria provided, single submitter. Criteria: Ambry Variant Classification Scheme 2023. Collection method: clinical testing. Allele origin: germline.
Comment: The p.R15551Q variant (also known as c.46652G>A), located in coding exon 153 of the TTN gene, results from a G to A substitution at nucleotide position 46652. This alteration is located in the A-band region of the N2-B isoform of the titin protein. The arginine at codon 15551 is replaced by glutamine, an amino acid with highly similar properties. This variant was previously reported in the SNPDatabase as rs201694149. Based on data from ExAC, the A allele has an overall frequency of less than 0.01% (9/104998). This amino acid position is well conserved in available vertebrate species. In addition, this alteration is predicted to be tolerated by in silico analysis. Since supporting evidence is limited at this time, the clinical significance of this alteration remains unclear.

Literature cited by the submitters: PubMed 23518707 (cited by Ambry Genetics); PubMed 23418287 (cited by Ambry Genetics); PubMed 24105469 (cited by Ambry Genetics); PubMed 11717165 (cited by Ambry Genetics); PubMed 22335739 (cited by Ambry Genetics); PubMed 10462489 (cited by Ambry Genetics); PubMed 21810661 (cited by Ambry Genetics); PubMed 12669942 (cited by Ambry Genetics); PubMed 21617319 (cited by Ambry Genetics); PubMed 18948003 (cited by Ambry Genetics); PubMed 1745277 (cited by Ambry Genetics); PubMed 24395473 (cited by Ambry Genetics); PubMed 12145747 (cited by Ambry Genetics); PubMed 17444505 (cited by Ambry Genetics).